The following is an entry in ClinVar:

ClinVar aggregate classification (germline): Uncertain significance (1 of 4 stars; one submission).

Conditions:
Familial cancer of breast. Also called: hereditary breast carcinoma; BREAST CANCER, FAMILIAL; Hereditary breast cancer. Identifiers: Orphanet 227535, MedGen C0346153, MONDO:0016419, OMIM 114480. Disease mechanism: loss of function.

Submission:

Labcorp Genetics (formerly Invitae), Labcorp
Classification: Uncertain significance for Familial cancer of breast. Last evaluated: 2024-06-19. Review status: criteria provided, single submitter. Criteria: Invitae Variant Classification Sherloc (09022015). Collection method: clinical testing. Allele origin: germline.
Comment: This sequence change replaces serine, which is neutral and polar, with arginine, which is basic and polar, at codon 448 of the PALB2 protein (p.Ser448Arg). This variant is not present in population databases (gnomAD no frequency). This variant has not been reported in the literature in individuals affected with PALB2-related conditions. Advanced modeling of protein sequence and biophysical properties (such as structural, functional, and spatial information, amino acid conservation, physicochemical variation, residue mobility, and thermodynamic stability) performed at Invitae indicates that this missense variant is not expected to disrupt PALB2 protein function with a negative predictive value of 80%. In summary, the available evidence is currently insufficient to determine the role of this variant in disease. Therefore, it has been classified as a Variant of Uncertain Significance.

NM_024675.4(PALB2):c.1342A>C (p.Ser448Arg)

Gene: PALB2 (partner and localizer of BRCA2; minus strand). Cytogenetic location: 16p12.2.
Variant type: single nucleotide variant.
Coding change: c.1342A>C on transcript NM_024675.4 (MANE Select); coding-DNA position 1342, A replaced by C.
Protein change: p.Ser448Arg; replaces serine 448 with arginine.
Molecular consequence: missense variant. On other transcripts: intron variant (3).
Genome position (GRCh38, 1-based): chr16:23,635,204, T>G on the plus strand (A>C on the coding strand, the complement: PALB2 is on the minus strand). VCF-style: chr16-23635204-T-G. GRCh37 (hg19) VCF-style: chr16-23646525-T-G.
Other names: c.1282A>C, p.Ser428Arg (NM_001407296.1); c.1342A>C, p.Ser448Arg (NM_001407297.1, NM_001407298.1, NM_001407299.1 and 3 more transcripts); c.457A>C, p.Ser153Arg (NM_001407304.1, NM_001407305.1, NM_001407306.1 and 5 more transcripts); c.48+5906A>C (NM_001407314.1); c.-104-4735A>C (NM_001407313.1, NM_001407312.1); short protein forms S153R, S428R, S448R.
Identifiers: ClinVar variation 3657037 (VCV003657037.2).